The following is an entry in ClinVar:

NM_000257.4(MYH7):c.5460G>C (p.Arg1820=)

Gene: MYH7 (myosin heavy chain 7; minus strand). Cytogenetic location: 14q11.2.
Variant type: single nucleotide variant.
Coding change: c.5460G>C on transcript NM_000257.4 (MANE Select); coding-DNA position 5460, G replaced by C.
Protein change: p.Arg1820=; no amino-acid change (arginine 1820 retained).
Molecular consequence: synonymous variant.
Genome position (GRCh38, 1-based): chr14:23,415,094, C>G on the plus strand (G>C on the coding strand, the complement: MYH7 is on the minus strand). VCF-style: chr14-23415094-C-G. GRCh37 (hg19) VCF-style: chr14-23884303-C-G.
Other names: c.5460G>C, p.Arg1820= (NM_001407004.1).
Identifiers: ClinVar variation 2563052 (VCV002563052.3), dbSNP rs2502238952, ClinGen allele CA485765973.

ClinVar aggregate classification (germline): Likely benign. Review status: criteria provided, multiple submitters, no conflicts (2 of 4 stars). 2 submissions from 2 submitters: Likely benign (2). Last evaluated 2024-07-10.

Conditions:
Cardiomyopathy (CMYO). Also called: Cardiomyopathies. Identifiers: Orphanet 167848, MedGen C0878544, MONDO:0004994, HP:0001638. Inheritance: Various modes of inheritance.
Cardiovascular phenotype. Identifiers: MedGen CN230736.

Submissions (2):

All of Us Research Program, National Institutes of Health
Classification: Likely benign for Cardiomyopathy. Last evaluated: 2024-07-10. Review status: criteria provided, single submitter. Criteria: ACMG Guidelines, 2015. Collection method: clinical testing. Allele origin: germline. Inheritance: Autosomal dominant inheritance. Observed: 1 variant allele, 1 heterozygote.
Comment: This study involves interpretation of variants in research participants for the purpose of population health screening. Participant phenotype was not available at the time of variant classification. Additional details can be found in publication PMID: 35346344, PMCID: PMC8962531

Ambry Genetics
Classification: Likely benign for Cardiovascular phenotype. Last evaluated: 2023-04-18. Review status: criteria provided, single submitter. Criteria: Ambry Variant Classification Scheme 2023. Collection method: clinical testing. Allele origin: germline.